The following is an entry in ClinVar:

NM_016284.5(CNOT1):c.2023G>A (p.Ala675Thr)

Gene: CNOT1 (CCR4-NOT transcription complex subunit 1; minus strand). Cytogenetic location: 16q21.
Variant type: single nucleotide variant.
Coding change: c.2023G>A on transcript NM_016284.5 (MANE Select); coding-DNA position 2023, G replaced by A.
Protein change: p.Ala675Thr; replaces alanine 675 with threonine.
Molecular consequence: missense variant. On other transcripts: non-coding transcript variant (1).
Genome position (GRCh38, 1-based): chr16:58,560,319, C>T on the plus strand (G>A on the coding strand, the complement: CNOT1 is on the minus strand). VCF-style: chr16-58560319-C-T. GRCh37 (hg19) VCF-style: chr16-58594223-C-T.
Other names: c.2023G>A, p.Ala675Thr (NM_001265612.2, NM_206999.3); short protein forms A675T.
Identifiers: ClinVar variation 2074775 (VCV002074775.4), dbSNP rs765121906, ClinGen allele CA8089770.

ClinVar aggregate classification (germline): Uncertain significance (1 of 4 stars; one submission).

Allele frequency attached by ClinVar (database versions not stated): TOPMed below 0.00001; gnomAD exomes 0.00001; ExAC 0.00002.
gnomAD v4.1: 10 of 1,614,024 alleles (0.00062%); highest among the groups gnomAD compares: Admixed American, 0.015%; no homozygotes.

Submission:

Labcorp Genetics (formerly Invitae), Labcorp
Classification: Uncertain significance. Last evaluated: 2025-04-14. Review status: criteria provided, single submitter. Criteria: Invitae Variant Classification Sherloc (09022015). Collection method: clinical testing. Allele origin: germline.
Comment: This sequence change replaces alanine, which is neutral and non-polar, with threonine, which is neutral and polar, at codon 675 of the CNOT1 protein (p.Ala675Thr). This variant is present in population databases (rs765121906, gnomAD 0.02%). This variant has not been reported in the literature in individuals affected with CNOT1-related conditions. ClinVar contains an entry for this variant (Variation ID: 2074775). An algorithm developed to predict the effect of missense changes on protein structure and function (PolyPhen-2) suggests that this variant is likely to be tolerated. In summary, the available evidence is currently insufficient to determine the role of this variant in disease. Therefore, it has been classified as a Variant of Uncertain Significance.